The following is an entry in ClinVar:

ClinVar aggregate classification (germline): Uncertain significance (1 of 4 stars; one submission).

Submission:

Greenwood Genetic Center Diagnostic Laboratories, Greenwood Genetic Center
Classification: Uncertain significance. Last evaluated: 2024-07-30. Review status: criteria provided, single submitter. Criteria: ACMG Guidelines, 2015. Collection method: clinical testing. Allele origin: germline. Affected: yes.
Comment: PM2, BP4, PP2

NM_001256071.3(RNF213):c.15618G>T (p.Met5206Ile)

Genes: RNF213 (ring finger protein 213; plus strand), RNF213-AS1 (RNF213 antisense RNA 1; minus strand). Cytogenetic location: 17q25.3.
Variant type: single nucleotide variant.
Coding change: c.15618G>T on transcript NM_001256071.3 (MANE Select); coding-DNA position 15618, G replaced by T.
Protein change: p.Met5206Ile; replaces methionine 5206 with isoleucine.
Molecular consequence: missense variant.
Genome position (GRCh38, 1-based): chr17:80,393,492, G>T. VCF-style: chr17-80393492-G-T. GRCh37 (hg19) VCF-style: chr17-78367292-G-T.
Other names: c.15765G>T, p.Met5255Ile (NM_001410195.1, NM_020914.5); short protein forms M5206I, M5255I.
Identifiers: ClinVar variation 3765876 (VCV003765876.1).
Genomic context (GRCh38, chr17:80,393,492, plus strand): 5'-GCTCGCCAGCTGTGTCTCAGTGTGGAAAACAGCTGCTGTGCTGAAATGGAATCGAGAAAT[G>T]AGATAGAATTATTTCCTCAGCTATCTTTGGATGACTTTGGAGAGAAGACTCCTCTCTCCT-3'
Protein context (NP_001243000.2, residues 5196-5207): TAAVLKWNRE[Met5206Ile]R